The following is an entry in ClinVar:

NM_016070.4(MRPS23):c.139C>G (p.Gln47Glu)

Gene: MRPS23 (mitochondrial ribosomal protein S23; minus strand). Cytogenetic location: 17q22.
Variant type: single nucleotide variant.
Coding change: c.139C>G on transcript NM_016070.4 (MANE Select); coding-DNA position 139, C replaced by G.
Protein change: p.Gln47Glu; replaces glutamine 47 with glutamic acid.
Molecular consequence: missense variant.
Genome position (GRCh38, 1-based): chr17:57,849,316, G>C on the plus strand (C>G on the coding strand, the complement: MRPS23 is on the minus strand). VCF-style: chr17-57849316-G-C. GRCh37 (hg19) VCF-style: chr17-55926677-G-C.
Other names: short protein forms Q47E.
Identifiers: ClinVar variation 2012993 (VCV002012993.4), dbSNP rs2545351682, ClinGen allele CA399938584.

ClinVar aggregate classification (germline): Uncertain significance (1 of 4 stars; one submission).

Allele frequency attached by ClinVar (database versions not stated): gnomAD exomes below 0.00001.

Submission:

Labcorp Genetics (formerly Invitae), Labcorp
Classification: Uncertain significance. Last evaluated: 2024-05-15. Review status: criteria provided, single submitter. Criteria: Invitae Variant Classification Sherloc (09022015). Collection method: clinical testing. Allele origin: germline.
Comment: This sequence change replaces glutamine, which is neutral and polar, with glutamic acid, which is acidic and polar, at codon 47 of the MRPS23 protein (p.Gln47Glu). This variant is not present in population databases (gnomAD no frequency). This variant has not been reported in the literature in individuals affected with MRPS23-related conditions. ClinVar contains an entry for this variant (Variation ID: 2012993). An algorithm developed to predict the effect of missense changes on protein structure and function (PolyPhen-2) suggests that this variant is likely to be tolerated. In summary, the available evidence is currently insufficient to determine the role of this variant in disease. Therefore, it has been classified as a Variant of Uncertain Significance.